The following is an entry in ClinVar:

ClinVar aggregate classification (germline): Uncertain significance (1 of 4 stars; one submission).

Conditions:
Carnitine acylcarnitine translocase deficiency (CACTD). Identifiers: Orphanet 159, MedGen C0342791, MONDO:0008918, OMIM 212138.

Allele frequency attached by ClinVar (database versions not stated): ExAC 0.00001; gnomAD exomes 0.00001.
gnomAD v4.1: 10 of 1,614,152 alleles (0.00062%); highest among the groups gnomAD compares: South Asian, 0.0099%; no homozygotes.

Submission:

Labcorp Genetics (formerly Invitae), Labcorp
Classification: Uncertain significance for Carnitine acylcarnitine translocase deficiency. Last evaluated: 2021-09-01. Review status: criteria provided, single submitter. Criteria: Invitae Variant Classification Sherloc (09022015). Collection method: clinical testing. Allele origin: germline.
Comment: This sequence change replaces aspartic acid with glycine at codon 251 of the SLC25A20 protein (p.Asp251Gly). The aspartic acid residue is moderately conserved and there is a moderate physicochemical difference between aspartic acid and glycine. This variant is present in population databases (rs754912115, ExAC 0.006%). This variant has not been reported in the literature in individuals affected with SLC25A20-related conditions. Algorithms developed to predict the effect of missense changes on protein structure and function (SIFT, PolyPhen-2, Align-GVGD) all suggest that this variant is likely to be tolerated. Algorithms developed to predict the effect of sequence changes on RNA splicing suggest that this variant may create or strengthen a splice site. In summary, the available evidence is currently insufficient to determine the role of this variant in disease. Therefore, it has been classified as a Variant of Uncertain Significance.

NM_000387.6(SLC25A20):c.752A>G (p.Asp251Gly)

Gene: SLC25A20 (solute carrier family 25 member 20; minus strand). Cytogenetic location: 3p21.31.
Variant type: single nucleotide variant.
Coding change: c.752A>G on transcript NM_000387.6 (MANE Select); coding-DNA position 752, A replaced by G.
Protein change: p.Asp251Gly; replaces aspartic acid 251 with glycine.
Molecular consequence: missense variant.
Genome position (GRCh38, 1-based): chr3:48,858,598, T>C on the plus strand (A>G on the coding strand, the complement: SLC25A20 is on the minus strand). VCF-style: chr3-48858598-T-C. GRCh37 (hg19) VCF-style: chr3-48896031-T-C.
Other names: short protein forms D251G.
Identifiers: ClinVar variation 949534 (VCV000949534.4), dbSNP rs754912115, ClinGen allele CA2387296.